The following is an entry in ClinVar:

NM_002295.6(RPSA):c.5C>T (p.Ser2Phe)

Gene: RPSA (ribosomal protein SA; plus strand). Cytogenetic location: 3p22.1.
Variant type: single nucleotide variant.
Coding change: c.5C>T on transcript NM_002295.6 (MANE Select); coding-DNA position 5, C replaced by T.
Protein change: p.Ser2Phe; replaces serine 2 with phenylalanine.
Molecular consequence: missense variant.
Genome position (GRCh38, 1-based): chr3:39,407,658, C>T. VCF-style: chr3-39407658-C-T. GRCh37 (hg19) VCF-style: chr3-39449149-C-T.
Other names: c.5C>T, p.Ser2Phe (NM_001304288.2); short protein forms S2F.
Identifiers: ClinVar variation 4726147 (VCV004726147.1).
Genomic context (GRCh38, chr3:39,407,658, plus strand): 5'-AATAGGTTGCTCTCTTATTTCAGATTCCCGTCGTAACTTAAAGGGAAATTTTCACAATGT[C>T]CGGAGCCCTTGATGTCCTGCAAATGAAGGAGGAGGATGTCCTTAAGTTCCTTGCAGCAGG-3'
Protein context (NP_002286.2, residues 1-12): M[Ser2Phe]GALDVLQMKE

ClinVar aggregate classification (germline): Uncertain significance (1 of 4 stars; one submission).

Submission:

Labcorp Genetics (formerly Invitae), Labcorp
Classification: Uncertain significance. Last evaluated: 2025-08-28. Review status: criteria provided, single submitter. Criteria: Invitae Variant Classification Sherloc (09022015). Collection method: clinical testing. Allele origin: germline.
Comment: This sequence change replaces serine, which is neutral and polar, with phenylalanine, which is neutral and non-polar, at codon 2 of the RPSA protein (p.Ser2Phe). This variant is not present in population databases (gnomAD no frequency). This variant has not been reported in the literature in individuals affected with RPSA-related conditions. An algorithm developed to predict the effect of missense changes on protein structure and function (PolyPhen-2) suggests that this variant is likely to be disruptive. In summary, the available evidence is currently insufficient to determine the role of this variant in disease. Therefore, it has been classified as a Variant of Uncertain Significance.